The following is an entry in ClinVar:

ClinVar aggregate classification (germline): Likely benign. Review status: reviewed by expert panel (3 of 4 stars). 13 submissions from 12 submitters: Likely benign (1). 12 of the submissions do not count toward it. Last evaluated 2017-06-29.

Conditions:
BRCA2-related disorder. Also called: BRCA2-related condition; BRCA2-related disorders. Identifiers: MedGen CN239275.
Hereditary cancer-predisposing syndrome. Also called: Tumor predisposition; Hereditary Cancer Syndrome; Neoplastic Syndromes, Hereditary; Hereditary neoplastic syndrome. Identifiers: Orphanet 140162, MedGen C0027672, MeSH D009386, MONDO:0015356.
Hereditary breast ovarian cancer syndrome. Also called: Hereditary breast and/or ovarian cancer syndrome; BRCA1- and BRCA2-Associated Hereditary Breast and Ovarian Cancer; Hereditary breast and ovarian cancer; Hereditary breast and ovarian cancer syndrome (HBOC); Breast and ovarian cancer; Hereditary breast and ovarian cancer syndrome. Identifiers: Orphanet 145, MedGen C0677776, MeSH D061325, MONDO:0003582. Disease mechanism: loss of function.
Breast-ovarian cancer, familial, susceptibility to, 2 (BROVCA2). Also called: BRCA2 Hereditary Breast and Ovarian Cancer. Identifiers: Orphanet 145, MedGen C2675520, MONDO:0012933, OMIM 612555. Disease mechanism: loss of function.
Fanconi anemia complementation group D1. Also called: BRCA2-Related Fanconi Anemia. Identifiers: Orphanet 319462, MedGen C1838457, MONDO:0011584, OMIM 605724.
Malignant tumor of breast. Also called: Malignant breast neoplasm; Cancer breast. Identifiers: MedGen C0006142, MONDO:0007254. Disease mechanism: loss of function.

Allele frequency attached by ClinVar (database versions not stated): TOPMed below 0.00001; ExAC 0.00001; gnomAD exomes 0.00001 and 0.00003.
gnomAD v4.1: 46 of 1,592,312 alleles (0.0029%); highest among the groups gnomAD compares: Non-Finnish European, 0.0038%; no homozygotes.

Submissions (13):

Evidence-based Network for the Interpretation of Germline Mutant Alleles (ENIGMA)
Classification: Likely benign for Breast-ovarian cancer, familial, susceptibility to, 2. Last evaluated: 2017-06-29. Review status: reviewed by expert panel. Criteria: ENIGMA BRCA1/2 Classification Criteria (2017-06-29). Collection method: curation. Allele origin: germline.
Comment: Synonymous substitution variant, with low bioinformatic likelihood to result in a splicing aberration (Splicing prior probability 0.02).

Labcorp Genetics (formerly Invitae), Labcorp
Classification: Likely benign for Hereditary breast ovarian cancer syndrome. Last evaluated: 2025-09-22. Review status: criteria provided, single submitter. Criteria: Invitae Variant Classification Sherloc (09022015). Collection method: clinical testing. Allele origin: germline. Not counted in ClinVar's aggregate classification.

Center for Genomic Medicine, Rigshospitalet, Copenhagen University Hospital
Classification: Likely benign. Last evaluated: 2025-03-04. Review status: criteria provided, single submitter. Criteria: ACMG Guidelines, 2015. Collection method: clinical testing. Allele origin: germline. Not counted in ClinVar's aggregate classification.

All of Us Research Program, National Institutes of Health
Classification: Likely benign for Breast-ovarian cancer, familial, susceptibility to, 2. Last evaluated: 2024-02-05. Review status: criteria provided, single submitter. Criteria: ACMG Guidelines, 2015. Collection method: clinical testing. Allele origin: germline. Inheritance: Autosomal dominant inheritance. Observed: 8 variant alleles, 8 heterozygotes. Not counted in ClinVar's aggregate classification.
Comment: This study involves interpretation of variants in research participants for the purpose of population health screening. Participant phenotype was not available at the time of variant classification. Additional details can be found in publication PMID: 35346344, PMCID: PMC8962531

Genetics and Molecular Pathology, SA Pathology
Classification: Likely benign for Breast-ovarian cancer, familial, susceptibility to, 2. Last evaluated: 2020-09-16. Review status: criteria provided, single submitter. Criteria: ACMG Guidelines, 2015. Collection method: clinical testing. Allele origin: germline. Inheritance: Autosomal dominant inheritance. Affected: yes. Not counted in ClinVar's aggregate classification.
Comment: The BRCA2 c.909T>G variant is classified as Likely Benign (PM2, BP6, BP7) This BRCA2 c.909T>G variant is synonymous (silent). The variant is rare in population databases (PM2). This synonymous variant does not occur at a highly conserved locus nor is it predicted to impact splicing (BP7). The variant has been reported in dbSNP (rs757430441) and has been reported as Likely benign by other diagnostic laboratories (ClinVar Variation ID: 215626).

Illumina Laboratory Services, Illumina
Classification: Uncertain significance for Breast-ovarian cancer, familial, susceptibility to, 2. Last evaluated: 2018-01-12. Review status: criteria provided, single submitter. Criteria: ICSL Variant Classification Criteria 13 December 2019. Collection method: clinical testing. Allele origin: germline. Not counted in ClinVar's aggregate classification.

Illumina Laboratory Services, Illumina
Classification: Uncertain significance for Fanconi anemia complementation group D1. Last evaluated: 2018-01-12. Review status: criteria provided, single submitter. Criteria: ICSL Variant Classification Criteria 13 December 2019. Collection method: clinical testing. Allele origin: germline. Not counted in ClinVar's aggregate classification.

Color Diagnostics, LLC DBA Color Health
Classification: Likely benign for Hereditary cancer-predisposing syndrome. Last evaluated: 2016-08-30. Review status: criteria provided, single submitter. Criteria: ACMG Guidelines, 2015. Collection method: clinical testing. Allele origin: germline. Not counted in ClinVar's aggregate classification.

GeneDx
Classification: Benign. Last evaluated: 2015-09-27. Review status: criteria provided, single submitter. Criteria: GeneDx Variant Classification Process June 2021. Collection method: clinical testing. Allele origin: germline. Affected: yes. Not counted in ClinVar's aggregate classification.

Ambry Genetics
Classification: Likely benign for Hereditary cancer-predisposing syndrome. Last evaluated: 2015-04-09. Review status: criteria provided, single submitter. Criteria: Ambry Variant Classification Scheme 2023. Collection method: clinical testing. Allele origin: germline. Not counted in ClinVar's aggregate classification.

PreventionGenetics, part of Exact Sciences
Classification: Likely benign for BRCA2-related condition. Last evaluated: 2023-06-02. Review status: no assertion criteria provided. Collection method: clinical testing. Allele origin: germline. Not counted in ClinVar's aggregate classification.
Comment: This variant is classified as likely benign based on ACMG/AMP sequence variant interpretation guidelines (Richards et al. 2015 PMID: 25741868, with internal and published modifications).

BRCAlab, Lund University
Classification: Likely benign for Breast-ovarian cancer, familial, susceptibility to, 2. Last evaluated: 2020-03-02. Review status: no assertion criteria provided. Collection method: clinical testing. Allele origin: germline. Affected: yes. Not counted in ClinVar's aggregate classification.

Department of Pathology and Laboratory Medicine, Sinai Health System
Classification: Likely benign for Malignant tumor of breast. Review status: no assertion criteria provided. Collection method: clinical testing. Allele origin: unknown. Affected: yes. Study: The Canadian Open Genetics Repository (COGR). Not counted in ClinVar's aggregate classification.
Comment: The BRCA2 p.Ser303Ser variant was not identified in the literature nor was it identified in the dbSNP, NHLBI Exome Sequencing Project (Exome Variant Server), HGMD, LOVD, COSMIC, UMD, ClinVar, or BIC databases. The p.Ser303Ser variant is not expected to have clinical significance because it does not result in a change of amino acid and is not located in a known consensus splice site. In addition, in silico or computational prediction software programs (SpliceSiteFinder, MaxEntScan, NNSPLICE, GeneSplicer, HumanSpliceFinder) do not predict a difference in splicing. In summary, based on the above information, the clinical significance of this variant cannot be determined with certainty at this time although we would lean towards a more benign role for this variant. This variant is classified as predicted benign.

NM_000059.4(BRCA2):c.909T>G (p.Ser303=)

Gene: BRCA2 (BRCA2 DNA repair associated; plus strand). Cytogenetic location: 13q13.1.
Variant type: single nucleotide variant.
Coding change: c.909T>G on transcript NM_000059.4 (MANE Select); coding-DNA position 909, T replaced by G.
Protein change: p.Ser303=; no amino-acid change (serine 303 retained).
Molecular consequence: synonymous variant.
Genome position (GRCh38, 1-based): chr13:32,332,387, T>G. VCF-style: chr13-32332387-T-G. GRCh37 (hg19) VCF-style: chr13-32906524-T-G.
Identifiers: ClinVar variation 215626 (VCV000215626.39), dbSNP rs757430441, ClinGen allele CA339184.